The following is an entry in ClinVar:

ClinVar aggregate classification (germline): Benign/Likely benign. Review status: criteria provided, multiple submitters, no conflicts (2 of 4 stars). 6 submissions from 6 submitters: Benign (2); Likely benign (3). 1 of the submissions does not count toward it. Last evaluated 2026-05-12.

Conditions:
LZTR1-related disorder. Also called: LZTR1-related disorders; LZTR1-related condition.
Hereditary cancer-predisposing syndrome. Also called: Neoplastic Syndromes, Hereditary; Tumor predisposition; Hereditary neoplastic syndrome; Hereditary Cancer Syndrome. Identifiers: Orphanet 140162, MedGen C0027672, MeSH D009386, MONDO:0015356.
Cardiovascular phenotype. Identifiers: MedGen CN230736.
Noonan syndrome and Noonan-related syndrome. Identifiers: Orphanet 98733, MedGen C5681679, MONDO:0020297.

Allele frequency attached by ClinVar (database versions not stated): gnomAD exomes 0.00006; ExAC 0.00019; ESP Exome Variant Server 0.00024.
gnomAD v4.1: 70 of 1,558,372 alleles (0.0045%); highest among the groups gnomAD compares: African/African-American, 0.088%; no homozygotes.

Submissions (6):

Women's Health and Genetics/Laboratory Corporation of America, LabCorp
Classification: Likely benign. Last evaluated: 2026-05-12. Review status: criteria provided, single submitter. Criteria: LabCorp Variant Classification Summary - May 2015. Collection method: clinical testing. Allele origin: germline.

Labcorp Genetics (formerly Invitae), Labcorp
Classification: Likely benign. Last evaluated: 2026-02-01. Review status: criteria provided, single submitter. Criteria: Invitae Variant Classification Sherloc (09022015). Collection method: clinical testing. Allele origin: germline.

Blueprint Genetics
Classification: Likely benign. Last evaluated: 2022-09-09. Review status: criteria provided, single submitter. Criteria: ACMG Guidelines, 2015. Collection method: clinical testing. Allele origin: germline.

Genome Diagnostics Laboratory, The Hospital for Sick Children
Classification: Benign for Noonan syndrome and Noonan-related syndrome. Last evaluated: 2021-06-21. Review status: criteria provided, single submitter. Criteria: ACMG Guidelines, 2015. Collection method: clinical testing. Allele origin: germline.

Ambry Genetics
Classification: Benign for Cardiovascular phenotype; Hereditary cancer-predisposing syndrome. Last evaluated: 2020-09-16. Review status: criteria provided, single submitter. Criteria: Ambry Variant Classification Scheme 2023. Collection method: clinical testing. Allele origin: germline.

PreventionGenetics, part of Exact Sciences
Classification: Likely benign for LZTR1-related condition. Last evaluated: 2022-06-03. Review status: no assertion criteria provided. Collection method: clinical testing. Allele origin: germline. Not counted in ClinVar's aggregate classification.
Comment: This variant is classified as likely benign based on ACMG/AMP sequence variant interpretation guidelines (Richards et al. 2015 PMID: 25741868, with internal and published modifications).

NM_006767.4(LZTR1):c.21G>A (p.Thr7=)

Genes: LZTR1 (leucine zipper like post translational regulator 1; plus strand), LOC130067016 (ATAC-STARR-seq lymphoblastoid silent region 13504; plus strand). Cytogenetic location: 22q11.21.
Variant type: single nucleotide variant.
Coding change: c.21G>A on transcript NM_006767.4 (MANE Select); coding-DNA position 21, G replaced by A.
Protein change: p.Thr7=; no amino-acid change (threonine 7 retained).
Molecular consequence: synonymous variant.
Genome position (GRCh38, 1-based): chr22:20,982,392, G>A. VCF-style: chr22-20982392-G-A. GRCh37 (hg19) VCF-style: chr22-21336681-G-A.
Identifiers: ClinVar variation 1334203 (VCV001334203.20), dbSNP rs377622689, ClinGen allele CA10118265.